The following is an entry in ClinVar:

NM_001005242.3(PKP2):c.466C>G (p.Pro156Ala)

Gene: PKP2 (plakophilin 2; minus strand). Cytogenetic location: 12p11.21.
Variant type: single nucleotide variant.
Coding change: c.466C>G on transcript NM_001005242.3 (MANE Select); coding-DNA position 466, C replaced by G.
Protein change: p.Pro156Ala; replaces proline 156 with alanine.
Molecular consequence: missense variant.
Genome position (GRCh38, 1-based): chr12:32,878,414, G>C on the plus strand (C>G on the coding strand, the complement: PKP2 is on the minus strand). VCF-style: chr12-32878414-G-C. GRCh37 (hg19) VCF-style: chr12-33031348-G-C.
Other names: p.P156A:CCG>GCG; c.466C>G, p.Pro156Ala (NM_004572.4); short protein forms P156A.
Identifiers: ClinVar variation 201972 (VCV000201972.6), dbSNP rs794729102, ClinGen allele CA012343.

ClinVar aggregate classification (germline): Uncertain significance. Review status: criteria provided, multiple submitters, no conflicts (2 of 4 stars). 3 submissions from 3 submitters: Uncertain significance (3). Last evaluated 2024-10-20.

Conditions:
Cardiomyopathy (CMYO). Also called: Cardiomyopathies. Identifiers: Orphanet 167848, MedGen C0878544, MONDO:0004994, HP:0001638. Inheritance: Various modes of inheritance.
Arrhythmogenic right ventricular dysplasia 9 (ARVD9). Also called: ARRHYTHMOGENIC RIGHT VENTRICULAR DYSPLASIA, FAMILIAL, 9; Arrhythmogenic Right Ventricular Dysplasia/Cardiomyopathy 9. Identifiers: MedGen C1836906, MONDO:0012180, OMIM 609040.

Submissions (3):

Color Diagnostics, LLC DBA Color Health
Classification: Uncertain significance for Cardiomyopathy. Last evaluated: 2024-10-20. Review status: criteria provided, single submitter. Criteria: ACMG Guidelines, 2015. Collection method: clinical testing. Allele origin: germline.
Comment: This missense variant replaces proline with alanine at codon 156 of the PKP2 protein. Computational prediction suggests that this variant may not impact protein structure and function (internally defined REVEL score threshold <= 0.5, PMID: 27666373). To our knowledge, functional studies have not been reported for this variant. This variant has not been reported in individuals affected with PKP2-related disorders in the literature. This variant has not been identified in the general population by the Genome Aggregation Database (gnomAD). The available evidence is insufficient to determine the role of this variant in disease conclusively. Therefore, this variant is classified as a Variant of Uncertain Significance.

Centre for Mendelian Genomics, University Medical Centre Ljubljana
Classification: Uncertain significance for Arrhythmogenic right ventricular dysplasia 9. Last evaluated: 2016-01-01. Review status: criteria provided, single submitter. Criteria: ACMG Guidelines, 2015. Collection method: clinical testing. Allele origin: unknown. Affected: yes.
Comment: This variant was classified as: Uncertain significance. The following ACMG criteria were applied in classifying this variant: PM2,PP3.

GeneDx
Classification: Uncertain significance. Last evaluated: 2012-07-26. Review status: criteria provided, single submitter. Criteria: GeneDx Variant Classification (06012015). Collection method: clinical testing. Allele origin: germline. Affected: yes.
Comment: p.Pro156Ala (CCG>GCG): c.466 C>G in exon 3 of the PKP2 gene (NM_004572.3). The Pro156Ala variant in the PKP2 gene has not been reported previously as a disease-causing mutation or as a benign polymorphism, to our knowledge. Pro156Ala is a semi-conservative amino acid substitution of a non-polar, sterically constrained Proline with a non-polar Alanine at a position that is conserved across mammals. In silico analysis predicts Pro156Ala is probably damaging to protein structure or function. Furthermore, the NHLBI ESP Exome Variant Server reports Pro156Ala was not observed in over 5,000 samples from individuals of European and African American backgrounds, indicating it is not a common variant in these populations. In summary, with the clinical and molecular information available at this time, we cannot determine whether Pro156Ala in the PKP2 gene is a disease-causing mutation or a benign variant. The variant is found in ARVC panel(s).